The following is an entry in ClinVar:

ClinVar aggregate classification (germline): Likely benign (1 of 4 stars; one submission).

gnomAD v4.1: 2 of 1,612,990 alleles (0.00012%); highest among the groups gnomAD compares: Non-Finnish European, 0.00017%; no homozygotes.

Submission:

CeGaT Center for Human Genetics Tuebingen
Classification: Likely benign. Last evaluated: 2024-01-01. Review status: criteria provided, single submitter. Criteria: CeGaT Center For Human Genetics Tuebingen Variant Classification Criteria Version 2. Collection method: clinical testing. Allele origin: germline. Affected: yes. Observed: 1 variant allele.
Comment: CAMTA1: PM2:Supporting, BP4, BP7

NM_015215.4(CAMTA1):c.2730A>C (p.Ser910=)

Gene: CAMTA1 (calmodulin binding transcription activator 1; plus strand). Cytogenetic location: 1p36.23.
Variant type: single nucleotide variant.
Coding change: c.2730A>C on transcript NM_015215.4 (MANE Select); coding-DNA position 2730, A replaced by C.
Protein change: p.Ser910=; no amino-acid change (serine 910 retained).
Molecular consequence: synonymous variant. On other transcripts: 5 prime UTR variant (6).
Genome position (GRCh38, 1-based): chr1:7,670,988, A>C. VCF-style: chr1-7670988-A-C. GRCh37 (hg19) VCF-style: chr1-7731048-A-C.
Other names: c.2730A>C, p.Ser910= (NM_001349610.2, NM_001410737.1, NM_001349609.2); c.2640A>C, p.Ser880= (NM_001349612.2, NM_001349608.2); c.-199A>C (NM_001349614.1, NM_001349617.1, NM_001349620.1 and 3 more transcripts); c.2658A>C, p.Ser886= (NM_001410738.1).
Identifiers: ClinVar variation 3025163 (VCV003025163.22), dbSNP rs6674962, ClinGen allele CA415816287.